The following is an entry in ClinVar:

NM_001355436.2(SPTB):c.1188G>A (p.Trp396Ter)

Gene: SPTB (spectrin beta, erythrocytic; minus strand). Cytogenetic location: 14q23.3.
Variant type: single nucleotide variant.
Coding change: c.1188G>A on transcript NM_001355436.2 (MANE Select); coding-DNA position 1188, G replaced by A.
Protein change: p.Trp396Ter; replaces tryptophan 396 with a stop codon.
Molecular consequence: nonsense.
Genome position (GRCh38, 1-based): chr14:64,796,710, C>T on the plus strand (G>A on the coding strand, the complement: SPTB is on the minus strand). VCF-style: chr14-64796710-C-T. GRCh37 (hg19) VCF-style: chr14-65263428-C-T.
Other names: c.1188G>A, p.Trp396Ter (NM_001024858.4, NM_001355437.2); short protein forms W396*.
Identifiers: ClinVar variation 3729625 (VCV003729625.2).
Genomic context (GRCh38, chr14:64,796,710, plus strand): 5'-CCGAATGAGCTCATTTCTCAGGGCCAGCTCCCGCCGATACTCAGCTTCCTCCAGGCTTTC[C>T]CAGGCCTGCACAAAGGATGGAATGAGAATTCTTGGGGCACAGGAGAAATGCCTCACTTTG-3'

ClinVar aggregate classification (germline): Pathogenic (1 of 4 stars; one submission).

Submission:

Labcorp Genetics (formerly Invitae), Labcorp
Classification: Pathogenic. Last evaluated: 2025-01-26. Review status: criteria provided, single submitter. Criteria: Invitae Variant Classification Sherloc (09022015). Collection method: clinical testing. Allele origin: germline.
Comment: This sequence change creates a premature translational stop signal (p.Trp396*) in the SPTB gene. It is expected to result in an absent or disrupted protein product. Loss-of-function variants in SPTB are known to be pathogenic (PMID: 1391962, 1498324, 8844207, 26830532, 27292444). This variant is not present in population databases (gnomAD no frequency). This variant has not been reported in the literature in individuals affected with SPTB-related conditions. For these reasons, this variant has been classified as Pathogenic.

Literature cited by the submitters: PubMed 1391962; PubMed 1498324; PubMed 8844207; PubMed 26830532; PubMed 27292444.